The following is an entry in ClinVar:

ClinVar aggregate classification (germline): Uncertain significance (1 of 4 stars; one submission).

Allele frequency attached by ClinVar (database versions not stated): gnomAD exomes below 0.00001.
gnomAD v4.1: 4 of 1,614,118 alleles (0.00025%); highest among the groups gnomAD compares: Non-Finnish European, 0.00034%; no homozygotes.

Submission:

Labcorp Genetics (formerly Invitae), Labcorp
Classification: Uncertain significance. Last evaluated: 2022-07-15. Review status: criteria provided, single submitter. Criteria: Invitae Variant Classification Sherloc (09022015). Collection method: clinical testing. Allele origin: germline.
Comment: Algorithms developed to predict the effect of missense changes on protein structure and function are either unavailable or do not agree on the potential impact of this missense change (SIFT: "Tolerated"; PolyPhen-2: "Possibly Damaging"; Align-GVGD: "Class C0"). In summary, the available evidence is currently insufficient to determine the role of this variant in disease. Therefore, it has been classified as a Variant of Uncertain Significance. This variant has not been reported in the literature in individuals affected with ALPK1-related conditions. This variant is not present in population databases (gnomAD no frequency). This sequence change replaces alanine, which is neutral and non-polar, with serine, which is neutral and polar, at codon 848 of the ALPK1 protein (p.Ala848Ser).

NM_025144.4(ALPK1):c.2542G>T (p.Ala848Ser)

Gene: ALPK1 (alpha kinase 1; plus strand). Cytogenetic location: 4q25.
Variant type: single nucleotide variant.
Coding change: c.2542G>T on transcript NM_025144.4 (MANE Select); coding-DNA position 2542, G replaced by T.
Protein change: p.Ala848Ser; replaces alanine 848 with serine.
Molecular consequence: missense variant.
Genome position (GRCh38, 1-based): chr4:112,432,089, G>T. VCF-style: chr4-112432089-G-T. GRCh37 (hg19) VCF-style: chr4-113353245-G-T.
Other names: c.2542G>T, p.Ala848Ser (NM_001102406.2); c.2308G>T, p.Ala770Ser (NM_001253884.2); short protein forms A770S, A848S.
Identifiers: ClinVar variation 1962982 (VCV001962982.5), dbSNP rs2476506491, ClinGen allele CA357900264.
Genomic context (GRCh38, chr4:112,432,089, plus strand): 5'-CAAAATCCTGACTCCAGAAAAAGTGGTGGCCCAGTCGCAGAGCAGGGCATCGACCCTGAT[G>T]CCTCCACAGTGGATGAGGAGGGGCAACTGCTCGACAGCATGGATGTTCCCTGCACAAATG-3'
Protein context (NP_079420.3, residues 838-858): PVAEQGIDPD[Ala848Ser]STVDEEGQLL